The following is an entry in ClinVar:

ClinVar aggregate classification (germline): Pathogenic (1 of 4 stars; one submission).

Conditions:
Bainbridge-Ropers syndrome. Also called: Severe feeding difficulties-failure to thrive-microcephaly due to ASXL3 deficiency syndrome. Identifiers: Orphanet 352577, MedGen C4750837, MONDO:0014205, OMIM 615485.

Submission:

Broad Center for Mendelian Genomics, Broad Institute of MIT and Harvard
Classification: Pathogenic for Bainbridge-Ropers syndrome. Last evaluated: 2023-01-24. Review status: criteria provided, single submitter. Criteria: ACMG Guidelines, 2015. Collection method: curation. Allele origin: germline. Inheritance: Autosomal dominant inheritance.
Comment: The heterozygous p.Arg301LeufsTer4 variant in ASXL3 was identified by our study in two siblings with poor growth and neurodevelopmental delay. Familial genome analysis showed this variant to be de novo. The p.Arg301LeufsTer4 variant in ASXL3 has not been previously reported in individuals with Bainbridge-Ropers syndrome. This variant was absent from large population studies. This variant is predicted to cause a frameshift, which alters the protein‚Äôs amino acid sequence beginning at position 301 and leads to a premature termination codon 4 amino acids downstream. This alteration is then predicted to lead to a truncated or absent protein. Heterozygous loss of function of the ASXL3 gene is an established disease mechanism in Bainbridge-Ropers syndrome. In summary, this variant meets criteria to be classified as pathogenic for autosomal dominant Bainbridge-Ropers syndrome. ACMG/AMP Criteria applied: PVS1, PS2_Supporting, PM2_Supporting (Richards 2015).

NM_030632.3(ASXL3):c.902_911del (p.Arg301fs)

Gene: ASXL3 (ASXL transcriptional regulator 3; plus strand). Cytogenetic location: 18q12.1.
Variant type: Deletion.
Coding change: c.902_911del on transcript NM_030632.3 (MANE Select); coding-DNA positions 902 to 911, 10 bases deleted (GCCTCAGTAC; older notation c.902_911delGCCTCAGTAC).
Protein change: p.Arg301fs; shifts the reading frame from arginine 301.
Molecular consequence: frameshift variant.
Genome position (GRCh38, 1-based): chr18:33,731,990-33,731,999, GCCTCAGTAC deleted; deleting any 10 consecutive bases within chr18:33,731,987-33,731,999 gives the same sequence; the c. name uses the placement nearest the transcript's 3' end. VCF-style (leftmost placement, unchanged base first): chr18-33731986-TTACGCCTCAG-T. GRCh37 (hg19) VCF-style: chr18-31311950-TTACGCCTCAG-T.
Other names: NM_030632.3:c.902_911del; short protein forms R301fs.
Identifiers: ClinVar variation 2412680 (VCV002412680.1), dbSNP rs2510907457, ClinGen allele CA2573320669.